The following is an entry in ClinVar:

NM_000038.6(APC):c.4740T>C (p.Ile1580=)

Gene: APC (APC regulator of Wnt signaling pathway; plus strand). Cytogenetic location: 5q22.2.
Variant type: single nucleotide variant.
Coding change: c.4740T>C on transcript NM_000038.6 (MANE Select); coding-DNA position 4740, T replaced by C.
Protein change: p.Ile1580=; no amino-acid change (isoleucine 1580 retained).
Molecular consequence: synonymous variant.
Genome position (GRCh38, 1-based): chr5:112,840,334, T>C. VCF-style: chr5-112840334-T-C. GRCh37 (hg19) VCF-style: chr5-112176031-T-C.
Other names: c.4740T>C, p.Ile1580= (NM_001127510.3, NM_001354895.2); c.4686T>C, p.Ile1562= (NM_001127511.3); c.4794T>C, p.Ile1598= (NM_001354896.2); c.4770T>C, p.Ile1590= (NM_001354897.2); c.4665T>C, p.Ile1555= (NM_001354898.2); c.4656T>C, p.Ile1552= (NM_001354899.2); c.4617T>C, p.Ile1539= (NM_001354900.2); c.4563T>C, p.Ile1521= (NM_001354901.2); and 5 more.
Identifiers: ClinVar variation 416762 (VCV000416762.17), dbSNP rs760033815, ClinGen allele CA039642.

ClinVar aggregate classification (germline): Benign/Likely benign. Review status: criteria provided, multiple submitters, no conflicts (2 of 4 stars). 4 submissions from 4 submitters: Benign (1); Likely benign (3). Last evaluated 2025-10-23.

Conditions:
Familial adenomatous polyposis 1 (FAP1). Also called: FAMILIAL ADENOMATOUS POLYPOSIS 1, ATTENUATED; POLYPOSIS, ADENOMATOUS INTESTINAL. Identifiers: MedGen C2713442, MONDO:0021056, OMIM 175100. Disease mechanism: loss of function.
Hereditary cancer-predisposing syndrome. Also called: Tumor predisposition; Neoplastic Syndromes, Hereditary; Hereditary neoplastic syndrome; Hereditary Cancer Syndrome. Identifiers: Orphanet 140162, MedGen C0027672, MeSH D009386, MONDO:0015356.

Allele frequency attached by ClinVar (database versions not stated): gnomAD exomes below 0.00001 and 0.00001; ExAC 0.00001.
gnomAD v4.1: 5 of 1,614,202 alleles (0.00031%); highest among the groups gnomAD compares: Middle Eastern, 0.016%; no homozygotes.

Submissions (4):

Labcorp Genetics (formerly Invitae), Labcorp
Classification: Likely benign for Familial adenomatous polyposis 1. Last evaluated: 2025-10-23. Review status: criteria provided, single submitter. Criteria: Invitae Variant Classification Sherloc (09022015). Collection method: clinical testing. Allele origin: germline.

Myriad Genetics, Inc.
Classification: Benign for Familial adenomatous polyposis 1. Last evaluated: 2024-03-27. Review status: criteria provided, single submitter. Criteria: Myriad Autosomal Dominant, Autosomal Recessive and X-Linked Classification Criteria (2023). Collection method: clinical testing. Allele origin: unknown.
Comment: This variant is considered benign. This variant is a silent/synonymous amino acid change and it is not expected to impact splicing.

Color Diagnostics, LLC DBA Color Health
Classification: Likely benign for Hereditary cancer-predisposing syndrome. Last evaluated: 2021-12-14. Review status: criteria provided, single submitter. Criteria: ACMG Guidelines, 2015. Collection method: clinical testing. Allele origin: germline.

Ambry Genetics
Classification: Likely benign for Hereditary cancer-predisposing syndrome. Last evaluated: 2021-07-15. Review status: criteria provided, single submitter. Criteria: Ambry Variant Classification Scheme 2023. Collection method: clinical testing. Allele origin: germline.